The following is an entry in ClinVar:

NM_005359.6(SMAD4):c.1013C>G (p.Thr338Arg)

Gene: SMAD4 (SMAD family member 4; plus strand). Cytogenetic location: 18q21.2.
Variant type: single nucleotide variant.
Coding change: c.1013C>G on transcript NM_005359.6 (MANE Select); coding-DNA position 1013, C replaced by G.
Protein change: p.Thr338Arg; replaces threonine 338 with arginine.
Molecular consequence: missense variant.
Genome position (GRCh38, 1-based): chr18:51,065,480, C>G. VCF-style: chr18-51065480-C-G. GRCh37 (hg19) VCF-style: chr18-48591850-C-G.
Other names: short protein forms T338R.
Identifiers: ClinVar variation 1499430 (VCV001499430.6), dbSNP rs2144446765, ClinGen allele CA402464205.

ClinVar aggregate classification (germline): Uncertain significance (1 of 4 stars; one submission).

Conditions:
Juvenile polyposis syndrome (JPS). Identifiers: Orphanet 2929, MedGen C0345893, MONDO:0017380, OMIM 174900.

Submission:

Labcorp Genetics (formerly Invitae), Labcorp
Classification: Uncertain significance for Juvenile polyposis syndrome. Last evaluated: 2025-09-08. Review status: criteria provided, single submitter. Criteria: Invitae Variant Classification Sherloc (09022015). Collection method: clinical testing. Allele origin: germline.
Comment: This sequence change replaces threonine, which is neutral and polar, with arginine, which is basic and polar, at codon 338 of the SMAD4 protein (p.Thr338Arg). This variant is not present in population databases (gnomAD no frequency). This variant has not been reported in the literature in individuals affected with SMAD4-related conditions. ClinVar contains an entry for this variant (Variation ID: 1499430). Invitae Evidence Modeling of protein sequence and biophysical properties (such as structural, functional, and spatial information, amino acid conservation, physicochemical variation, residue mobility, and thermodynamic stability) has been performed for this missense variant. However, the output from this modeling did not meet the statistical confidence thresholds required to predict the impact of this variant on SMAD4 protein function. In summary, the available evidence is currently insufficient to determine the role of this variant in disease. Therefore, it has been classified as a Variant of Uncertain Significance.